The following is an entry in ClinVar:

NM_022124.6(CDH23):c.9169C>T (p.Arg3057Trp)

Gene: CDH23 (cadherin related 23; plus strand). Cytogenetic location: 10q22.1.
Variant type: single nucleotide variant.
Coding change: c.9169C>T on transcript NM_022124.6 (MANE Select); coding-DNA position 9169, C replaced by T.
Protein change: p.Arg3057Trp; replaces arginine 3057 with tryptophan.
Molecular consequence: missense variant.
Genome position (GRCh38, 1-based): chr10:71,811,406, C>T. VCF-style: chr10-71811406-C-T. GRCh37 (hg19) VCF-style: chr10-73571163-C-T.
Other names: c.2449C>T, p.Arg817Trp (NM_001171933.1, NM_001171934.1); short protein forms R817W, R3057W.
Identifiers: ClinVar variation 2174015 (VCV002174015.3), dbSNP rs747583936, ClinGen allele CA5546900.

ClinVar aggregate classification (germline): Uncertain significance (1 of 4 stars; one submission).

Allele frequency attached by ClinVar (database versions not stated): ExAC 0.00001; gnomAD 0.00001; gnomAD exomes 0.00002.
gnomAD v4.1: 12 of 1,613,858 alleles (0.00074%); highest among the groups gnomAD compares: South Asian, 0.0011%; no homozygotes.

Submission:

Labcorp Genetics (formerly Invitae), Labcorp
Classification: Uncertain significance. Last evaluated: 2023-10-13. Review status: criteria provided, single submitter. Criteria: Invitae Variant Classification Sherloc (09022015). Collection method: clinical testing. Allele origin: germline.
Comment: This sequence change replaces arginine, which is basic and polar, with tryptophan, which is neutral and slightly polar, at codon 3057 of the CDH23 protein (p.Arg3057Trp). This variant is present in population databases (rs747583936, gnomAD 0.007%). This variant has not been reported in the literature in individuals affected with CDH23-related conditions. ClinVar contains an entry for this variant (Variation ID: 2174015). Advanced modeling of protein sequence and biophysical properties (such as structural, functional, and spatial information, amino acid conservation, physicochemical variation, residue mobility, and thermodynamic stability) performed at Invitae indicates that this missense variant is not expected to disrupt CDH23 protein function. In summary, the available evidence is currently insufficient to determine the role of this variant in disease. Therefore, it has been classified as a Variant of Uncertain Significance.